The following is an entry in ClinVar:

ClinVar aggregate classification (germline): Uncertain significance (1 of 4 stars; one submission).

Submission:

GeneDx
Classification: Uncertain significance. Last evaluated: 2025-07-17. Review status: criteria provided, single submitter. Criteria: GeneDx Variant Classification Process June 2021. Collection method: clinical testing. Allele origin: germline. Affected: yes.
Comment: Not observed at significant frequency in large population cohorts (gnomAD); In-frame deletion of 1 amino acid in a non-repeat region; In silico analysis supports a deleterious effect on protein structure/function; Has not been previously published as pathogenic or benign to our knowledge

NM_001348323.3(TRIP12):c.1041_1043del (p.Thr348del)

Gene: TRIP12 (thyroid hormone receptor interactor 12; minus strand). Cytogenetic location: 2q36.3.
Variant type: Deletion.
Coding change: c.1041_1043del on transcript NM_001348323.3 (MANE Select); coding-DNA positions 1041 to 1043, 3 bases deleted (TAC; older notation c.1041_1043delTAC).
Protein change: p.Thr348del; deletes threonine 348.
Molecular consequence: inframe deletion. On other transcripts: intron variant (1).
Genome position (GRCh38, 1-based): chr2:229,840,912-229,840,914, GTA deleted on the plus strand (TAC on the coding strand, the reverse complement: TRIP12 is on the minus strand); deleting any 3 consecutive bases within chr2:229,840,912-229,840,915 gives the same sequence; the c. name uses the placement nearest the transcript's 3' end. VCF-style (leftmost placement, unchanged base first): chr2-229840911-CGTA-C. GRCh37 (hg19) VCF-style: chr2-230705627-CGTA-C.
Other names: c.915_917del, p.Thr306del (NM_001348318.2, NM_001348331.1, NM_004238.3 and 3 more transcripts); c.1041_1043del, p.Thr348del (NM_001348319.1, NM_001348320.2, NM_001348321.1 and 13 more transcripts); c.954_956del, p.Thr319del (NM_001348332.1, NM_001348334.1); c.99-3930_99-3928del (NM_001284216.2); short protein forms T306del, T319del, T348del.
Identifiers: ClinVar variation 4686324 (VCV004686324.1).